The following is an entry in ClinVar:

ClinVar aggregate classification (germline): Likely pathogenic. Review status: criteria provided, single submitter (1 of 4 stars). 2 submissions from 1 submitter: Likely pathogenic (2). Last evaluated 2020-08-03.

Conditions:
Developmental and epileptic encephalopathy 94 (DEE94). Also called: CHD2-Related Neurodevelopmental Disorders; Epileptic encephalopathy, childhood-onset. Identifiers: Orphanet 1942, Orphanet 2382, MedGen C3809278, MONDO:0014150, OMIM 615369.
Intellectual disability. Also called: intellectual disabilities; Intellectual developmental disorder; Intellectual functioning disability. Identifiers: MedGen C3714756, MeSH D008607, MONDO:0001071, HP:0001249.

Submissions (2):

Institute of Human Genetics, University of Leipzig Medical Center
Classification: Likely pathogenic for Intellectual disability. Last evaluated: 2020-08-03. Review status: criteria provided, single submitter. Criteria: ACMG Guidelines, 2015. Collection method: clinical testing. Allele origin: de novo. Affected: yes.

Institute of Human Genetics, University of Leipzig Medical Center
Classification: Likely pathogenic for Developmental and epileptic encephalopathy 94. Last evaluated: 2018-09-26. Review status: criteria provided, single submitter. Criteria: ACMG Guidelines, 2015. Collection method: clinical testing. Allele origin: de novo. Affected: yes. Observed: 1 variant allele.
Comment: This variant was identified as de novo (maternity and paternity confirmed).

NM_001271.4(CHD2):c.2813T>C (p.Leu938Pro)

Gene: CHD2 (chromodomain helicase DNA binding protein 2; plus strand). Cytogenetic location: 15q26.1.
Variant type: single nucleotide variant.
Coding change: c.2813T>C on transcript NM_001271.4 (MANE Select); coding-DNA position 2813, T replaced by C.
Protein change: p.Leu938Pro; replaces leucine 938 with proline.
Molecular consequence: missense variant.
Genome position (GRCh38, 1-based): chr15:92,979,220, T>C. VCF-style: chr15-92979220-T-C. GRCh37 (hg19) VCF-style: chr15-93522450-T-C.
Other names: short protein forms L938P.
Identifiers: ClinVar variation 976174 (VCV000976174.2), dbSNP rs2053946404, ClinGen allele CA393894196.